The following is an entry in ClinVar:

ClinVar aggregate classification (germline): Likely benign. Review status: criteria provided, single submitter (1 of 4 stars). 2 submissions from 2 submitters: Likely benign (1). 1 of the submissions does not count toward it. Last evaluated 2025-04-19.

Conditions:
ABCB11-related disorder. Also called: ABCB11-related condition.

Allele frequency attached by ClinVar (database versions not stated): ExAC 0.00003; gnomAD exomes 0.00004 and 0.00011; gnomAD 0.00007; TOPMed 0.00008; 1000 Genomes Project 30x 0.00016; ESP Exome Variant Server 0.00017; 1000 Genomes Project 0.00020.
gnomAD v4.1: 172 of 1,610,988 alleles (0.011%); highest among the groups gnomAD compares: Admixed American, 0.022%; no homozygotes.

Submissions (2):

Labcorp Genetics (formerly Invitae), Labcorp
Classification: Likely benign. Last evaluated: 2025-04-19. Review status: criteria provided, single submitter. Criteria: Invitae Variant Classification Sherloc (09022015). Collection method: clinical testing. Allele origin: germline.

PreventionGenetics, part of Exact Sciences
Classification: Likely benign for ABCB11-related condition. Last evaluated: 2019-06-28. Review status: no assertion criteria provided. Collection method: clinical testing. Allele origin: germline. Not counted in ClinVar's aggregate classification.
Comment: This variant is classified as likely benign based on ACMG/AMP sequence variant interpretation guidelines (Richards et al. 2015 PMID: 25741868, with internal and published modifications).

NM_003742.4(ABCB11):c.2193T>G (p.Pro731=)

Gene: ABCB11 (ATP binding cassette subfamily B member 11; minus strand). Cytogenetic location: 2q31.1.
Variant type: single nucleotide variant.
Coding change: c.2193T>G on transcript NM_003742.4 (MANE Select); coding-DNA position 2193, T replaced by G.
Protein change: p.Pro731=; no amino-acid change (proline 731 retained).
Molecular consequence: synonymous variant.
Genome position (GRCh38, 1-based): chr2:168,958,114, A>C on the plus strand (T>G on the coding strand, the complement: ABCB11 is on the minus strand). VCF-style: chr2-168958114-A-C. GRCh37 (hg19) VCF-style: chr2-169814624-A-C.
Other names: c.2193T>G (NM_003742.2).
Identifiers: ClinVar variation 1161443 (VCV001161443.11), dbSNP rs371893470, ClinGen allele CA1951329.